The following is an entry in ClinVar:

NM_006372.5(SYNCRIP):c.1309C>T (p.Pro437Ser)

Gene: SYNCRIP (synaptotagmin binding cytoplasmic RNA interacting protein; minus strand). Cytogenetic location: 6q14.3.
Variant type: single nucleotide variant.
Coding change: c.1309C>T on transcript NM_006372.5 (MANE Select); coding-DNA position 1309, C replaced by T.
Protein change: p.Pro437Ser; replaces proline 437 with serine.
Molecular consequence: missense variant.
Genome position (GRCh38, 1-based): chr6:85,615,319, G>A on the plus strand (C>T on the coding strand, the complement: SYNCRIP is on the minus strand). VCF-style: chr6-85615319-G-A. GRCh37 (hg19) VCF-style: chr6-86325037-G-A.
Other names: c.1309C>T, p.Pro437Ser (NM_001439161.1, NM_001439162.1, NM_001159676.2 and 3 more transcripts); c.1015C>T, p.Pro339Ser (NM_001159673.2, NM_001410938.1, NM_001439159.1); c.1204C>T, p.Pro402Ser (NM_001159674.2, NM_001159675.2); c.853C>T, p.Pro285Ser (NM_001253771.2); short protein forms P285S, P339S, P402S, P437S.
Identifiers: ClinVar variation 4279770 (VCV004279770.1).
Genomic context (GRCh38, chr6:85,615,319, plus strand): 5'-GATATCCATAACCACCTCTACCTCCACGCCCTCGACCTCTTGTTGGAGGGGGCATATGAG[G>A]TGGACCATAATAGTAGTAATCGTCATACCTATTAAAAAAGAGACAGAGATTAGAGTTTAA-3'
Protein context (NP_006363.4, residues 427-447): MYDDYYYYGP[Pro437Ser]HMPPPTRGRG

ClinVar aggregate classification (germline): Uncertain significance (1 of 4 stars; one submission).

Conditions:
SYNCRIP-related neurodevelopmental disorder. Identifiers: MedGen CN376111, MONDO:0800456.

gnomAD v4.1: 1 of 1,549,120 alleles (0.000065%); highest among the groups gnomAD compares: Non-Finnish European, 0.000087%; no homozygotes.

Submission:

Clinical Genomics Laboratory, Washington University in St. Louis
Classification: Uncertain significance for SYNCRIP-related neurodevelopmental disorder. Last evaluated: 2025-05-01. Review status: criteria provided, single submitter. Criteria: ACMG Guidelines, 2015. Collection method: clinical testing. Allele origin: germline.
Comment: The SYNCRIP c.1309C>T (p.Pro437Ser) variant, to our knowledge, has not been reported in the medical literature. This variant is absent from the general population (gnomAD v.2.1.1), indicating it is not a common variant. Computational predictors are uncertain as to the impact of this variant on SYNCRIP function. Due to limited information, the clinical significance of this variant is uncertain.